The following is an entry in ClinVar:

NM_003001.5(SDHC):c.452C>G (p.Ser151Cys)

Gene: SDHC (succinate dehydrogenase complex subunit C; plus strand). Cytogenetic location: 1q23.3.
Variant type: single nucleotide variant.
Coding change: c.452C>G on transcript NM_003001.5 (MANE Select); coding-DNA position 452, C replaced by G.
Protein change: p.Ser151Cys; replaces serine 151 with cysteine.
Molecular consequence: missense variant. On other transcripts: synonymous variant (3), non-coding transcript variant (1).
Genome position (GRCh38, 1-based): chr1:161,362,375, C>G. VCF-style: chr1-161362375-C-G. GRCh37 (hg19) VCF-style: chr1-161332165-C-G.
Other names: c.288C>G, p.Val96= (NM_001035511.3); c.350C>G, p.Ser117Cys (NM_001035512.3); c.293C>G, p.Ser98Cys (NM_001035513.3); c.186C>G, p.Val62= (NM_001278172.3); c.572C>G, p.Ser191Cys (NM_001407115.1); c.395C>G, p.Ser132Cys (NM_001407116.1); c.389C>G, p.Ser130Cys (NM_001407117.1); c.344C>G, p.Ser115Cys (NM_001407118.1); and 2 more; short protein forms S132C, S117C, S130C, S151C, S114C, S115C, S191C, S98C.
Identifiers: ClinVar variation 1741260 (VCV001741260.8), dbSNP rs1571899020, ClinGen allele CA343457761.
Genomic context (GRCh38, chr1:161,362,375, plus strand): 5'-TGCTTTGTCCACAGATGTGGGACCTAGGAAAAGGCCTGAAGATTCCCCAGCTATACCAGT[C>G]TGGAGTGGTTGTCCTGGTTCTTACTGTGTTGTCCTCTATGGGGCTGGCAGCCATGTGAAG-3'
Protein context (NP_002992.1, residues 141-161): KGLKIPQLYQ[Ser151Cys]GVVVLVLTVL

ClinVar aggregate classification (germline): Uncertain significance. Review status: criteria provided, multiple submitters, no conflicts (2 of 4 stars). 2 submissions from 2 submitters: Uncertain significance (2). Last evaluated 2026-07-30.

Conditions:
Hereditary cancer-predisposing syndrome. Also called: Hereditary Cancer Syndrome; Hereditary neoplastic syndrome; Neoplastic Syndromes, Hereditary; Tumor predisposition. Identifiers: Orphanet 140162, MedGen C0027672, MeSH D009386, MONDO:0015356.
Pheochromocytoma/paraganglioma syndrome 3. Also called: GLOMUS TUMORS, FAMILIAL, 3; Paragangliomas 3; SDHC-Related Hereditary Paraganglioma-Pheochromocytoma Syndrome (Paragangliomas 3); SDHC-Related Hereditary Paraganglioma-Pheochromocytoma Syndrome. Identifiers: Orphanet 29072, MedGen C1854336, MONDO:0011544, OMIM 605373.
Gastrointestinal stromal tumor. Also called: Gastrointestinal stroma tumor; Gastrointestinal stromal tumor, somatic. Identifiers: Orphanet 44890, MedGen C0238198, MeSH D046152, MONDO:0011719, OMIM 606764, HP:0100723.

Allele frequency attached by ClinVar (database versions not stated): TOPMed below 0.00001.

Submissions (2):

Ambry Genetics
Classification: Uncertain significance for Hereditary cancer-predisposing syndrome. Last evaluated: 2026-07-30. Review status: criteria provided, single submitter. Criteria: Ambry Variant Classification Scheme 2023. Collection method: clinical testing. Allele origin: germline.
Comment: The p.S151C variant (also known as c.452C>G), located in coding exon 6 of the SDHC gene, results from a C to G substitution at nucleotide position 452. The serine at codon 151 is replaced by cysteine, an amino acid with dissimilar properties. This amino acid position is highly conserved in available vertebrate species. In addition, this alteration is predicted to be deleterious by in silico analysis. Based on the available evidence, the clinical significance of this variant remains unclear.

Labcorp Genetics (formerly Invitae), Labcorp
Classification: Uncertain significance for Pheochromocytoma/paraganglioma syndrome 3; Gastrointestinal stromal tumor. Last evaluated: 2025-09-28. Review status: criteria provided, single submitter. Criteria: Invitae Variant Classification Sherloc (09022015). Collection method: clinical testing. Allele origin: germline.
Comment: This sequence change replaces serine, which is neutral and polar, with cysteine, which is neutral and slightly polar, at codon 151 of the SDHC protein (p.Ser151Cys). This variant is not present in population databases (gnomAD no frequency). This variant has not been reported in the literature in individuals affected with SDHC-related conditions. ClinVar contains an entry for this variant (Variation ID: 1741260). An algorithm developed to predict the effect of missense changes on protein structure and function (PolyPhen-2) suggests that this variant is likely to be disruptive. In summary, the available evidence is currently insufficient to determine the role of this variant in disease. Therefore, it has been classified as a Variant of Uncertain Significance.